The following is an entry in ClinVar:

NM_005045.4(RELN):c.5731G>A (p.Val1911Ile)

Gene: RELN (reelin; minus strand). Cytogenetic location: 7q22.1.
Variant type: single nucleotide variant.
Coding change: c.5731G>A on transcript NM_005045.4 (MANE Select); coding-DNA position 5731, G replaced by A.
Protein change: p.Val1911Ile; replaces valine 1911 with isoleucine.
Molecular consequence: missense variant.
Genome position (GRCh38, 1-based): chr7:103,557,043, C>T on the plus strand (G>A on the coding strand, the complement: RELN is on the minus strand). VCF-style: chr7-103557043-C-T. GRCh37 (hg19) VCF-style: chr7-103197490-C-T.
Other names: c.5731G>A, p.Val1911Ile (NM_173054.3); short protein forms V1911I.
Identifiers: ClinVar variation 998910 (VCV000998910.8), dbSNP rs1830538855, ClinGen allele CA368741435.

ClinVar aggregate classification (germline): Uncertain significance (1 of 4 stars; one submission).

Conditions:
Norman-Roberts syndrome (LIS2). Also called: Lissencephaly 2 (Norman-Roberts type). Identifiers: Orphanet 89844, MedGen C0796089, MONDO:0009760, OMIM 257320.
Familial temporal lobe epilepsy 7. Identifiers: Orphanet 101046, MedGen C4225327, MONDO:0014639, OMIM 616436.

Allele frequency attached by ClinVar (database versions not stated): gnomAD exomes below 0.00001.
gnomAD v4.1: 3 of 1,613,836 alleles (0.00019%); highest among the groups gnomAD compares: Non-Finnish European, 0.00025%; no homozygotes.

Submission:

Labcorp Genetics (formerly Invitae), Labcorp
Classification: Uncertain significance for Familial temporal lobe epilepsy 7; Norman-Roberts syndrome. Last evaluated: 2024-04-02. Review status: criteria provided, single submitter. Criteria: Invitae Variant Classification Sherloc (09022015). Collection method: clinical testing. Allele origin: germline.
Comment: This sequence change replaces valine, which is neutral and non-polar, with isoleucine, which is neutral and non-polar, at codon 1911 of the RELN protein (p.Val1911Ile). This variant is not present in population databases (gnomAD no frequency). This variant has not been reported in the literature in individuals affected with RELN-related conditions. ClinVar contains an entry for this variant (Variation ID: 998910). Advanced modeling of protein sequence and biophysical properties (such as structural, functional, and spatial information, amino acid conservation, physicochemical variation, residue mobility, and thermodynamic stability) performed at Invitae indicates that this missense variant is not expected to disrupt RELN protein function with a negative predictive value of 80%. In summary, the available evidence is currently insufficient to determine the role of this variant in disease. Therefore, it has been classified as a Variant of Uncertain Significance.